The following is an entry in ClinVar:

NM_182961.4(SYNE1):c.822T>C (p.Tyr274=)

Gene: SYNE1 (spectrin repeat containing nuclear envelope protein 1; minus strand). Cytogenetic location: 6q25.2.
Variant type: single nucleotide variant.
Coding change: c.822T>C on transcript NM_182961.4 (MANE Select); coding-DNA position 822, T replaced by C.
Protein change: p.Tyr274=; no amino-acid change (tyrosine 274 retained).
Molecular consequence: synonymous variant.
Genome position (GRCh38, 1-based): chr6:152,502,699, A>G on the plus strand (T>C on the coding strand, the complement: SYNE1 is on the minus strand). VCF-style: chr6-152502699-A-G. GRCh37 (hg19) VCF-style: chr6-152823834-A-G.
Other names: c.843T>C, p.Tyr281= (NM_033071.5).
Identifiers: ClinVar variation 2499026 (VCV002499026.28), dbSNP rs763258148, ClinGen allele CA4059609.

ClinVar aggregate classification (germline): Likely benign (1 of 4 stars; one submission).

Allele frequency attached by ClinVar (database versions not stated): gnomAD 0.00001; TOPMed 0.00001; gnomAD exomes 0.00003; ExAC 0.00010.
gnomAD v4.1: 52 of 1,613,806 alleles (0.0032%); highest among the groups gnomAD compares: South Asian, 0.056%; no homozygotes.

Submission:

CeGaT Center for Human Genetics Tuebingen
Classification: Likely benign. Last evaluated: 2023-01-01. Review status: criteria provided, single submitter. Criteria: CeGaT Center For Human Genetics Tuebingen Variant Classification Criteria Version 2. Collection method: clinical testing. Allele origin: germline. Affected: yes. Observed: 1 variant allele.
Comment: SYNE1: BP4, BP7